The following is an entry in ClinVar:

NM_002739.5(PRKCG):c.976TCCCCT[3] (p.Pro331_Thr332insSerPro)

Gene: PRKCG (protein kinase C gamma; plus strand). Cytogenetic location: 19q13.42.
Variant type: Microsatellite.
Coding change: c.976TCCCCT[3] on transcript NM_002739.5 (MANE Select); three copies in a row of the 6-base unit TCCCCT starting at c.976; the reference has two copies in a row; one copy, 6 bases duplicated; also written c.982_987dup.
Protein change: p.Pro331_Thr332insSerPro.
Molecular consequence: inframe insertion. On other transcripts: frameshift variant (2).
Genome position (GRCh38, 1-based): chr19:53,898,001-53,898,006, TCCCCT duplicated; duplicating any 6 consecutive bases within chr19:53,897,995-53,898,006 gives the same sequence; the position shown is the placement nearest the transcript's 3' end. VCF-style (leftmost placement, unchanged base first): chr19-53897994-C-CTCCCCT. GRCh37 (hg19) VCF-style: chr19-54401248-C-CTCCCCT.
Other names: c.976TCCCCT[3], p.Pro331_Thr332insSerPro (NM_001316329.2); c.971_976TCCCCT[3], p.Ser326Phefs (NM_002739.3); c.982_987dup (NM_002739.3).
Identifiers: ClinVar variation 1809877 (VCV001809877.1), dbSNP rs2514568057, ClinGen allele CA2580614963.

ClinVar aggregate classification (germline): Uncertain significance (1 of 4 stars; one submission).

Submission:

GeneDx
Classification: Uncertain significance. Last evaluated: 2022-06-30. Review status: criteria provided, single submitter. Criteria: GeneDx Variant Classification Process June 2021. Collection method: clinical testing. Allele origin: germline. Affected: yes.
Comment: Not observed at significant frequency in large population cohorts (gnomAD); In-frame insertion of 2 amino acids in a non-repeat region; Has not been previously published as pathogenic or benign to our knowledge